The following is an entry in ClinVar:

NM_006078.5(CACNG2):c.893A>G (p.Gln298Arg)

Gene: CACNG2 (calcium voltage-gated channel auxiliary subunit gamma 2; minus strand). Cytogenetic location: 22q12.3.
Variant type: single nucleotide variant.
Coding change: c.893A>G on transcript NM_006078.5 (MANE Select); coding-DNA position 893, A replaced by G.
Protein change: p.Gln298Arg; replaces glutamine 298 with arginine.
Molecular consequence: missense variant. On other transcripts: non-coding transcript variant (1).
Genome position (GRCh38, 1-based): chr22:36,564,430, T>C on the plus strand (A>G on the coding strand, the complement: CACNG2 is on the minus strand). VCF-style: chr22-36564430-T-C. GRCh37 (hg19) VCF-style: chr22-36960477-T-C.
Other names: c.824A>G, p.Gln275Arg (NM_001379051.1); short protein forms Q298R, Q275R.
Identifiers: ClinVar variation 3994623 (VCV003994623.2).

ClinVar aggregate classification (germline): Uncertain significance. Review status: criteria provided, multiple submitters, no conflicts (2 of 4 stars). 2 submissions from 2 submitters: Uncertain significance (2). Last evaluated 2025-12-31.

gnomAD v4.1: 3 of 1,613,960 alleles (0.00019%); highest among the groups gnomAD compares: African/African-American, 0.0013%; no homozygotes.

Submissions (2):

Women's Health and Genetics/Laboratory Corporation of America, LabCorp
Classification: Uncertain significance. Last evaluated: 2025-12-31. Review status: criteria provided, single submitter. Criteria: LabCorp Variant Classification Summary - May 2015. Collection method: clinical testing. Allele origin: germline.
Comment: Variant summary: CACNG2 c.893A>G (p.Gln298Arg) results in a conservative amino acid change in the encoded protein sequence. Algorithms developed to predict the effect of missense changes on protein structure and function are either unavailable or do not agree on the potential impact of this missense change. The variant was absent in 251260 control chromosomes. The available data on variant occurrences in the general population are insufficient to allow any conclusion about variant significance. To our knowledge, no occurrence of c.893A>G in individuals affected with CACNG2-related conditions and no experimental evidence demonstrating its impact on protein function have been reported. ClinVar contains an entry for this variant (Variation ID: 3994623). Based on the evidence outlined above, the variant was classified as uncertain significance.

Ambry Genetics
Classification: Uncertain significance. Last evaluated: 2025-04-09. Review status: criteria provided, single submitter. Criteria: Ambry Variant Classification Scheme 2023. Collection method: clinical testing. Allele origin: germline.